The following is an entry in ClinVar:

ClinVar aggregate classification (germline): Uncertain significance (1 of 4 stars; one submission).

Allele frequency attached by ClinVar (database versions not stated): gnomAD exomes below 0.00001.
gnomAD v4.1: 2 of 1,613,902 alleles (0.00012%); highest among the groups gnomAD compares: Admixed American, 0.0017%; no homozygotes.

Submission:

Labcorp Genetics (formerly Invitae), Labcorp
Classification: Uncertain significance. Last evaluated: 2021-11-08. Review status: criteria provided, single submitter. Criteria: Invitae Variant Classification Sherloc (09022015). Collection method: clinical testing. Allele origin: germline.
Comment: This sequence change replaces valine, which is neutral and non-polar, with isoleucine, which is neutral and non-polar, at codon 250 of the ATP1A1 protein (p.Val250Ile). This variant is present in population databases (no rsID available, gnomAD 0.003%). This variant has not been reported in the literature in individuals affected with ATP1A1-related conditions. Advanced modeling of protein sequence and biophysical properties (such as structural, functional, and spatial information, amino acid conservation, physicochemical variation, residue mobility, and thermodynamic stability) performed at Invitae indicates that this missense variant is not expected to disrupt ATP1A1 protein function. In summary, the available evidence is currently insufficient to determine the role of this variant in disease. Therefore, it has been classified as a Variant of Uncertain Significance.

NM_000701.8(ATP1A1):c.748G>A (p.Val250Ile)

Gene: ATP1A1 (ATPase Na+/K+ transporting subunit alpha 1; plus strand). Cytogenetic location: 1p13.1.
Variant type: single nucleotide variant.
Coding change: c.748G>A on transcript NM_000701.8 (MANE Select); coding-DNA position 748, G replaced by A.
Protein change: p.Val250Ile; replaces valine 250 with isoleucine.
Molecular consequence: missense variant.
Genome position (GRCh38, 1-based): chr1:116,389,013, G>A. VCF-style: chr1-116389013-G-A. GRCh37 (hg19) VCF-style: chr1-116931635-G-A.
Other names: c.748G>A, p.Val250Ile (NM_001160233.2); c.655G>A, p.Val219Ile (NM_001160234.2); short protein forms V250I, V219I.
Identifiers: ClinVar variation 1392103 (VCV001392103.6), dbSNP rs1321578905, ClinGen allele CA341843196.
Genomic context (GRCh38, chr1:116,389,013, plus strand): 5'-GATTTCACAAATGAAAACCCCCTGGAGACGAGGAACATTGCCTTCTTTTCAACCAATTGT[G>A]TTGAAGGTAGGCCATTTTTGGGCACTTTGAGCATGGCGTGGTATTTCTCTTGGGCATTAA-3'
Protein context (NP_000692.2, residues 240-260): RNIAFFSTNC[Val250Ile]EGTARGIVVY